The following is an entry in ClinVar:

NM_000051.4(ATM):c.8421G>T (p.Glu2807Asp)

Genes: ATM (ATM serine/threonine kinase; plus strand), C11orf65 (chromosome 11 open reading frame 65; minus strand). Cytogenetic location: 11q22.3.
Variant type: single nucleotide variant.
Coding change: c.8421G>T on transcript NM_000051.4 (MANE Select); coding-DNA position 8421, G replaced by T.
Protein change: p.Glu2807Asp; replaces glutamic acid 2807 with aspartic acid.
Molecular consequence: missense variant. On other transcripts: intron variant (2).
Genome position (GRCh38, 1-based): chr11:108,345,745, G>T. VCF-style: chr11-108345745-G-T. GRCh37 (hg19) VCF-style: chr11-108216472-G-T.
Other names: c.695-10453C>A (NM_001351110.2); c.8421G>T, p.Glu2807Asp (NM_001351834.2); c.641-36674C>A (NM_001330368.2); short protein forms E2807D.
Identifiers: ClinVar variation 2044176 (VCV002044176.4), dbSNP rs1555137945, ClinGen allele CA382517718.

ClinVar aggregate classification (germline): Uncertain significance (1 of 4 stars; one submission).

Conditions:
Ataxia-telangiectasia syndrome (AT). Also called: Ataxia-telangiectasia, complementation group D; AT, COMPLEMENTATION GROUP C; ATAXIA-TELANGIECTASIA, COMPLEMENTATION GROUP A; ATAXIA-TELANGIECTASIA, FRESNO VARIANT; Ataxia-telangiectasia, complementation group E; LOUIS-BAR SYNDROME. Identifiers: Orphanet 100, MedGen C0004135, MONDO:0008840, OMIM 208900.

Submission:

Labcorp Genetics (formerly Invitae), Labcorp
Classification: Uncertain significance for Ataxia-telangiectasia syndrome. Last evaluated: 2021-12-16. Review status: criteria provided, single submitter. Criteria: Invitae Variant Classification Sherloc (09022015). Collection method: clinical testing. Allele origin: germline.
Comment: This variant has not been reported in the literature in individuals affected with ATM-related conditions. In summary, the available evidence is currently insufficient to determine the role of this variant in disease. Therefore, it has been classified as a Variant of Uncertain Significance. Algorithms developed to predict the effect of missense changes on protein structure and function output the following: SIFT: "Tolerated"; PolyPhen-2: "Benign"; Align-GVGD: "Class C0". The aspartic acid amino acid residue is found in multiple mammalian species, which suggests that this missense change does not adversely affect protein function. This variant is not present in population databases (gnomAD no frequency). This sequence change replaces glutamic acid, which is acidic and polar, with aspartic acid, which is acidic and polar, at codon 2807 of the ATM protein (p.Glu2807Asp).